The following is an entry in ClinVar:

Conditions:
Long QT syndrome 5 (LQT5). Identifiers: Orphanet 101016, Orphanet 768, MedGen C1867904, MONDO:0013372, OMIM 613695.

Submission:

Roden Lab, Vanderbilt University Medical Center
No classification provided (evidence only). Condition: Long QT syndrome 5. Review status: no classification provided. Collection method: in vitro. Allele origin: not applicable. Functional consequence: Effect on ion channel function.
ClinVar note: "not provided" was previously submitted as the classification for the variant. However, the classification appeared to be based only on an observation of functional data so it was converted to no classification on 2025-07-30.

NM_000219.6(KCNE1):c.33C>A (p.Pro11=)

Gene: KCNE1 (potassium voltage-gated channel subfamily E regulatory subunit 1; minus strand). Cytogenetic location: 21q22.12.
Variant type: single nucleotide variant.
Coding change: c.33C>A on transcript NM_000219.6 (MANE Select); coding-DNA position 33, C replaced by A.
Protein change: p.Pro11=; no amino-acid change (proline 11 retained).
Molecular consequence: synonymous variant.
Genome position (GRCh38, 1-based): chr21:34,449,602, G>T on the plus strand (C>A on the coding strand, the complement: KCNE1 is on the minus strand). VCF-style: chr21-34449602-G-T. GRCh37 (hg19) VCF-style: chr21-35821900-G-T.
Other names: c.33C>A, p.Pro11= (NM_001127668.4, NM_001127669.4, NM_001127670.4 and 4 more transcripts).
Identifiers: ClinVar variation 3374663 (VCV003374663.2).